The following is an entry in ClinVar:

NM_001145026.2(PTPRQ):c.1649C>T (p.Thr550Ile)

Gene: PTPRQ (protein tyrosine phosphatase receptor type Q; plus strand). Cytogenetic location: 12q21.31.
Variant type: single nucleotide variant.
Coding change: c.1649C>T on transcript NM_001145026.2 (MANE Select); coding-DNA position 1649, C replaced by T.
Protein change: p.Thr550Ile; replaces threonine 550 with isoleucine.
Molecular consequence: missense variant.
Genome position (GRCh38, 1-based): chr12:80,495,041, C>T. VCF-style: chr12-80495041-C-T. GRCh37 (hg19) VCF-style: chr12-80888820-C-T.
Other names: short protein forms T550I.
Identifiers: ClinVar variation 2633831 (VCV002633831.1), dbSNP rs1303247282, ClinGen allele CA385885975.

ClinVar aggregate classification (germline): Uncertain significance (1 of 4 stars; one submission).

Conditions:
PTPRQ-related disorder. Also called: PTPRQ-related condition.

Submission:

PreventionGenetics, part of Exact Sciences
Classification: Uncertain significance for PTPRQ-related condition. Last evaluated: 2023-04-05. Review status: criteria provided, single submitter. Criteria: ACMG Guidelines, 2015. Collection method: clinical testing. Allele origin: germline.
Comment: The PTPRQ c.1649C>T variant is predicted to result in the amino acid substitution p.Thr550Ile. To our knowledge, this variant has not been reported in the literature. This variant is reported in 0.0041% of alleles in individuals of Latino descent in gnomAD. At this time, the clinical significance of this variant is uncertain due to the absence of conclusive functional and genetic evidence.